The following is an entry in ClinVar:

ClinVar aggregate classification (germline): Pathogenic/Likely pathogenic. Review status: criteria provided, multiple submitters, no conflicts (2 of 4 stars). 2 submissions from 2 submitters: Pathogenic (1); Likely pathogenic (1). Last evaluated 2024-06-03.

Conditions:
Glycogen storage disease, type II (IOPD). Also called: Glucosidase acid-1,4-alpha deficiency; Pompe Disease; GLYCOGENOSIS, GENERALIZED, CARDIAC FORM; GSD II; POMPE DISEASE, INFANTILE-ONSET; GLYCOGEN STORAGE DISEASE II, INFANTILE-ONSET. Identifiers: Orphanet 365, MedGen C0017921, MONDO:0009290, OMIM 232300.

Submissions (2):

Natera, Inc.
Classification: Likely pathogenic for Glycogen storage disease type II. Last evaluated: 2024-06-03. Review status: criteria provided, single submitter. Criteria: Natera Variant Classification Schema (03/2026). Collection method: clinical testing. Allele origin: germline.
Comment: The c.1082dup variant in GAA is a frameshift variant predicted to shift the reading frame beginning at codon 362 and leads to a stop codon 144 codons downstream. This variant is expected to result in nonsense mediated decay, truncation, or a dysfunctional protein product. This variant is rare in the general population with a frequency below the threshold expected for the associated phenotype(s). Given the available evidence, this variant is classified as Likely Pathogenic.

Labcorp Genetics (formerly Invitae), Labcorp
Classification: Pathogenic for Glycogen storage disease, type II. Last evaluated: 2021-11-09. Review status: criteria provided, single submitter. Criteria: Invitae Variant Classification Sherloc (09022015). Collection method: clinical testing. Allele origin: germline.
Comment: This sequence change creates a premature translational stop signal (p.Phe362Valfs*144) in the GAA gene. It is expected to result in an absent or disrupted protein product. Loss-of-function variants in GAA are known to be pathogenic (PMID: 18425781, 22252923). This variant is not present in population databases (gnomAD no frequency). This variant has not been reported in the literature in individuals affected with GAA-related conditions. For these reasons, this variant has been classified as Pathogenic.

Literature cited by the submitters: PubMed 18425781 (cited by Labcorp Genetics (formerly Invitae), Labcorp); PubMed 22252923 (cited by Labcorp Genetics (formerly Invitae), Labcorp).

NM_000152.5(GAA):c.1082dup (p.Phe362fs)

Gene: GAA (alpha glucosidase; plus strand). Cytogenetic location: 17q25.3.
Variant type: Duplication.
Coding change: c.1082dup on transcript NM_000152.5 (MANE Select); coding-DNA position 1082, one base duplicated (C; older notation c.1082dupC).
Protein change: p.Phe362fs; shifts the reading frame from phenylalanine 362.
Molecular consequence: frameshift variant.
Genome position (GRCh38, 1-based): chr17:80,108,495, C duplicated; the last of 3 consecutive C bases (chr17:80,108,493-80,108,495); duplicating any one gives the same sequence. VCF-style (leftmost placement, unchanged base first): chr17-80108492-A-AC. GRCh37 (hg19) VCF-style: chr17-78082291-A-AC.
Other names: c.1082dup, p.Phe362fs (NM_001079803.3, NM_001079804.3); c.1082dup (NM_000152.4); short protein forms F362fs.
Identifiers: ClinVar variation 1444404 (VCV001444404.7), dbSNP rs2143854537, ClinGen allele CA2573154954.